The following is an entry in ClinVar:

NM_000059.4(BRCA2):c.1037del (p.Asn346fs)

Gene: BRCA2 (BRCA2 DNA repair associated; plus strand). Cytogenetic location: 13q13.1.
Variant type: Deletion.
Coding change: c.1037del on transcript NM_000059.4 (MANE Select); coding-DNA position 1037, one base deleted (A; older notation c.1037delA).
Protein change: p.Asn346fs; shifts the reading frame from asparagine 346.
Molecular consequence: frameshift variant.
Genome position (GRCh38, 1-based): chr13:32,332,515, A deleted; the last of 5 consecutive A bases (chr13:32,332,511-32,332,515); deleting any one gives the same sequence. VCF-style (leftmost placement, unchanged base first): chr13-32332510-TA-T. GRCh37 (hg19) VCF-style: chr13-32906647-TA-T.
Other names: c.1037del (NM_000059.3); c.1037delA (NM_000059.4, NM_000059.3); short protein forms N346fs.
Identifiers: ClinVar variation 1696819 (VCV001696819.5), dbSNP rs2137467012, ClinGen allele CA2580087203.

ClinVar aggregate classification (germline): Pathogenic/Likely pathogenic. Review status: criteria provided, multiple submitters, no conflicts (2 of 4 stars). 3 submissions from 3 submitters: Pathogenic (1); Likely pathogenic (1). 1 of the submissions does not count toward it. Last evaluated 2024-12-17.

Conditions:
Hereditary cancer-predisposing syndrome. Also called: Hereditary neoplastic syndrome; Tumor predisposition; Neoplastic Syndromes, Hereditary; Hereditary Cancer Syndrome. Identifiers: Orphanet 140162, MedGen C0027672, MeSH D009386, MONDO:0015356.

Submissions (3):

Genetic Services Laboratory, University of Chicago
Classification: Likely pathogenic. Last evaluated: 2024-12-17. Review status: criteria provided, single submitter. Criteria: ACMG Guidelines, 2015. Collection method: clinical testing. Allele origin: germline. Affected: yes.
Comment: DNA sequence analysis of the BRCA2 gene demonstrated a single base pair deletion in exon 10, c.1037del. This pathogenic sequence change results in an amino acid frameshift and creates a premature stop codon 2 amino acids downstream of the change, p.Asn346Thrfs*3. This sequence change is predicted to result in an abnormal transcript, which may be degraded, or may lead to the production of a truncated BRCA2 protein with potentially abnormal function. The c.1037del sequence change has not been described in the population databases such as ExAC and gnomAD. While this sequence change has not previously been described in the literature, loss-of-function variants in the BRCA2 gene are known to be pathogenic (PMID: 20104584). These collective evidences indicate that this sequence change is likely pathogenic, however functional studies have not been performed to prove this conclusively.

Ambry Genetics
Classification: Pathogenic for Hereditary cancer-predisposing syndrome. Last evaluated: 2023-10-02. Review status: criteria provided, single submitter. Criteria: Ambry Variant Classification Scheme 2023. Collection method: clinical testing. Allele origin: germline.
Comment: The c.1037delA pathogenic mutation, located in coding exon 9 of the BRCA2 gene, results from a deletion of one nucleotide at nucleotide position 1037, causing a translational frameshift with a predicted alternate stop codon (p.N346Tfs*3). This variant is considered to be rare based on population cohorts in the Genome Aggregation Database (gnomAD). This alteration is expected to result in loss of function by premature protein truncation or nonsense-mediated mRNA decay. As such, this alteration is interpreted as a disease-causing mutation.

Genomic Center, National Cancer Institute
Classification: Pathogenic for Hereditary cancer-predisposing syndrome. Review status: no assertion criteria provided. Collection method: case-control. Allele origin: germline. Affected: yes. Not counted in ClinVar's aggregate classification.